The following is an entry in ClinVar:

ClinVar aggregate classification (germline): Uncertain significance (0 of 4 stars; one submission).

Conditions:
Thrombophilia due to protein S deficiency, autosomal dominant (THPH5). Identifiers: Orphanet 26349, Orphanet 743, MedGen C3278211, MONDO:0012868, OMIM 612336. Disease mechanism: loss of function.

Submission:

Department of Transfusion Medicine and Hemostaseology, University Hospital Erlangen
Classification: Uncertain significance for Thrombophilia due to protein S deficiency, autosomal dominant. Last evaluated: 2025-09-01. Review status: no assertion criteria provided. Collection method: clinical testing. Allele origin: germline.
Comment: This variant was identified during a screening of patients with suspected hereditary Protein S deficiency. Currently, no literature is available describing this variant and according to dbSNP it represents a very rare genetic alteration, previously detected in the European population in heterozygous state only according to the Allele Frequency Aggregator dataset. Several in silico variant effect prediction tools (varSEAK, SpliceAI, CAPICE) classify this variant as likely benign. Taken together, we classified this variant as of uncertain significance.

NM_000313.4(PROS1):c.259+63_259+66del

Gene: PROS1 (protein S; minus strand). Cytogenetic location: 3q11.1.
Variant type: Deletion.
Coding change: c.259+63_259+66del on transcript NM_000313.4 (MANE Select); bases 63 to 66 of the intron after coding-DNA position 259, 4 bases deleted (GTCT; older notation c.259+63_259+66delGTCT).
Molecular consequence: intron variant.
Genome position (GRCh38, 1-based): chr3:93,924,174-93,924,177, AGAC deleted on the plus strand (GTCT on the coding strand, the reverse complement: PROS1 is on the minus strand); deleting any 4 consecutive bases within chr3:93,924,174-93,924,179 gives the same sequence; the c. name uses the placement nearest the transcript's 3' end. VCF-style (leftmost placement, unchanged base first): chr3-93924173-TAGAC-T. GRCh37 (hg19) VCF-style: chr3-93643017-TAGAC-T.
Other names: c.259+63_259+66delGTCT (NM_000313.4); c.355+63_355+66del (NM_001314077.2).
Identifiers: ClinVar variation 4529467 (VCV004529467.1).